The following is an entry in ClinVar:

NM_000214.3(JAG1):c.3125G>A (p.Arg1042His)

Gene: JAG1 (jagged canonical Notch ligand 1; minus strand). Cytogenetic location: 20p12.2.
Variant type: single nucleotide variant.
Coding change: c.3125G>A on transcript NM_000214.3 (MANE Select); coding-DNA position 3125, G replaced by A.
Protein change: p.Arg1042His; replaces arginine 1042 with histidine.
Molecular consequence: missense variant.
Genome position (GRCh38, 1-based): chr20:10,640,857, C>T on the plus strand (G>A on the coding strand, the complement: JAG1 is on the minus strand). VCF-style: chr20-10640857-C-T. GRCh37 (hg19) VCF-style: chr20-10621505-C-T.
Other names: short protein forms R1042H.
Identifiers: ClinVar variation 3906432 (VCV003906432.3).

ClinVar aggregate classification (germline): Uncertain significance. Review status: criteria provided, multiple submitters, no conflicts (2 of 4 stars). 2 submissions from 2 submitters: Uncertain significance (2). Last evaluated 2026-06-01.

gnomAD v4.1: 4 of 1,614,140 alleles (0.00025%); highest among the groups gnomAD compares: Admixed American, 0.0017%; no homozygotes.

Submissions (2):

CeGaT Center for Human Genetics Tuebingen
Classification: Uncertain significance. Last evaluated: 2026-06-01. Review status: criteria provided, single submitter. Criteria: CeGaT Center For Human Genetics Tuebingen Variant Classification Criteria Version 2. Collection method: clinical testing. Allele origin: germline. Affected: yes. Observed: 1 variant allele.
Comment: JAG1: PM2:Supporting, PS4:Supporting, BP4

GeneDx
Classification: Uncertain significance. Last evaluated: 2024-12-22. Review status: criteria provided, single submitter. Criteria: GeneDx Variant Classification Process June 2021. Collection method: clinical testing. Allele origin: germline. Affected: yes.
Comment: Not observed at significant frequency in large population cohorts (gnomAD); In silico analysis supports that this missense variant has a deleterious effect on protein structure/function; Has not been previously published as pathogenic or benign to our knowledge